The following is an entry in ClinVar:

NM_005560.6(LAMA5):c.1903G>A (p.Asp635Asn)

Gene: LAMA5 (laminin subunit alpha 5; minus strand). Cytogenetic location: 20q13.33.
Variant type: single nucleotide variant.
Coding change: c.1903G>A on transcript NM_005560.6 (MANE Select); coding-DNA position 1903, G replaced by A.
Protein change: p.Asp635Asn; replaces aspartic acid 635 with asparagine.
Molecular consequence: missense variant.
Genome position (GRCh38, 1-based): chr20:62,337,927, C>T on the plus strand (G>A on the coding strand, the complement: LAMA5 is on the minus strand). VCF-style: chr20-62337927-C-T. GRCh37 (hg19) VCF-style: chr20-60912983-C-T.
Other names: short protein forms D635N.
Identifiers: ClinVar variation 4526955 (VCV004526955.1).

ClinVar aggregate classification (germline): Uncertain significance (1 of 4 stars; one submission).

gnomAD v4.1: 732 of 1,609,856 alleles (0.045%); highest among the groups gnomAD compares: Non-Finnish European, 0.056%; no homozygotes.

Submission:

GeneDx
Classification: Uncertain significance. Last evaluated: 2025-05-09. Review status: criteria provided, single submitter. Criteria: GeneDx Variant Classification Process June 2021. Collection method: clinical testing. Allele origin: germline. Affected: yes.
Comment: In silico analysis supports that this missense variant has a deleterious effect on protein structure/function; Has not been previously published as pathogenic or benign to our knowledge